The following is an entry in ClinVar:

NM_001142864.4(PIEZO1):c.327-5C>T

Gene: PIEZO1 (piezo type mechanosensitive ion channel component 1 (Er blood group); minus strand). Cytogenetic location: 16q24.3.
Variant type: single nucleotide variant.
Coding change: c.327-5C>T on transcript NM_001142864.4 (MANE Select); 5 bases into the intron before coding-DNA position 327, C replaced by T.
Molecular consequence: intron variant.
Genome position (GRCh38, 1-based): chr16:88,741,621, G>A on the plus strand (C>T on the coding strand, the complement: PIEZO1 is on the minus strand). VCF-style: chr16-88741621-G-A. GRCh37 (hg19) VCF-style: chr16-88808029-G-A.
Other names: c.327-5C>T (NM_001142864.3).
Identifiers: ClinVar variation 4931942 (VCV004931942.2).
Genomic context (GRCh38, chr16:88,741,621, plus strand): 5'-TGCCCAGGTCAGGGGCCACCAGCCGGATGGCGTTGGGGATGTCCTTCAGGTCCAGCCTGC[G>A]GAGAGCAGGGAGCAGCCGCGGTCAGACCAAGAGGACAGGTGTGGGTGTGAGTGTGGATGG-3'

ClinVar aggregate classification (germline): Likely benign. Review status: criteria provided, multiple submitters, no conflicts (2 of 4 stars). 2 submissions from 2 submitters: Likely benign (2). Last evaluated 2025-09-17.

Conditions:
PIEZO1-related disorder. Also called: PIEZO1-related condition; PIEZO1-Related Disorders.

gnomAD v4.1: 26 of 1,533,442 alleles (0.0017%); highest among the groups gnomAD compares: East Asian, 0.029%; no homozygotes.

Submissions (2):

PreventionGenetics, part of Exact Sciences
Classification: Likely benign for PIEZO1-related condition. Last evaluated: 2025-09-17. Review status: criteria provided, single submitter. Criteria: ACMG Guidelines, 2015. Collection method: clinical testing. Allele origin: germline.
Comment: This variant is classified as likely benign based on ACMG/AMP sequence variant interpretation guidelines (Richards et al. 2015 PMID: 25741868, with internal and published modifications).

Blueprint Genetics
Classification: Likely benign. Last evaluated: 2024-11-07. Review status: criteria provided, single submitter. Criteria: ACMG Guidelines, 2015. Collection method: clinical testing. Allele origin: germline.